The following is an entry in ClinVar:

ClinVar aggregate classification (germline): Uncertain significance (1 of 4 stars; one submission).

Submission:

Ambry Genetics
Classification: Uncertain significance. Last evaluated: 2025-09-12. Review status: criteria provided, single submitter. Criteria: Ambry Variant Classification Scheme 2023. Collection method: clinical testing. Allele origin: germline.
Comment: The p.C287W variant (also known as c.861T>G), located in coding exon 7 of the GEN1 gene, results from a T to G substitution at nucleotide position 861. The cysteine at codon 287 is replaced by tryptophan, an amino acid with highly dissimilar properties. This amino acid position is conserved. In addition, this alteration is predicted to be tolerated by in silico analysis. Based on the available evidence, the clinical significance of this variant remains unclear.

NM_001130009.3(GEN1):c.861T>G (p.Cys287Trp)

Gene: GEN1 (GEN1 Holliday junction 5' flap endonuclease; plus strand). Cytogenetic location: 2p24.2.
Variant type: single nucleotide variant.
Coding change: c.861T>G on transcript NM_001130009.3 (MANE Select); coding-DNA position 861, T replaced by G.
Protein change: p.Cys287Trp; replaces cysteine 287 with tryptophan.
Molecular consequence: missense variant.
Genome position (GRCh38, 1-based): chr2:17,772,692, T>G. VCF-style: chr2-17772692-T-G. GRCh37 (hg19) VCF-style: chr2-17953959-T-G.
Other names: c.861T>G, p.Cys287Trp (NM_182625.5); short protein forms C287W.
Identifiers: ClinVar variation 4263136 (VCV004263136.1).
Genomic context (GRCh38, chr2:17,772,692, plus strand): 5'-AGGTTCACCTAAGGATCATGAACGTAATGGATGCAGATTATGTAAAAGTGATAAATATTG[T>G]GAGCCACATGACTATGAATACTGCTGTCCTTGTGAGTGGCACCGTACAGAACATGATAGG-3'
Protein context (NP_001123481.3, residues 277-297): GCRLCKSDKY[Cys287Trp]EPHDYEYCCP